The following is an entry in ClinVar:

NM_000465.4(BARD1):c.1525A>G (p.Ile509Val)

Gene: BARD1 (BRCA1 associated RING domain 1; minus strand). Cytogenetic location: 2q35.
Variant type: single nucleotide variant.
Coding change: c.1525A>G on transcript NM_000465.4 (MANE Select); coding-DNA position 1525, A replaced by G.
Protein change: p.Ile509Val; replaces isoleucine 509 with valine.
Molecular consequence: missense variant. On other transcripts: non-coding transcript variant (3), intron variant (3).
Genome position (GRCh38, 1-based): chr2:214,767,525, T>C on the plus strand (A>G on the coding strand, the complement: BARD1 is on the minus strand). VCF-style: chr2-214767525-T-C. GRCh37 (hg19) VCF-style: chr2-215632249-T-C.
Other names: c.1468A>G, p.Ile490Val (NM_001282543.2); c.159-14970A>G (NM_001282548.2); c.216-14970A>G (NM_001282545.2); c.364+24772A>G (NM_001282549.2); short protein forms I509V, I490V.
Identifiers: ClinVar variation 230452 (VCV000230452.19), dbSNP rs876658576, ClinGen allele CA10577801.

ClinVar aggregate classification (germline): Conflicting classifications of pathogenicity. Review status: criteria provided, conflicting classifications (1 of 4 stars). 5 submissions from 5 submitters: Uncertain significance (4); Likely benign (1). Last evaluated 2025-10-06.

Conditions:
Familial cancer of breast. Also called: BREAST CANCER, FAMILIAL; hereditary breast carcinoma; Hereditary breast cancer. Identifiers: Orphanet 227535, MedGen C0346153, MONDO:0016419, OMIM 114480. Disease mechanism: loss of function.
Hereditary cancer-predisposing syndrome. Also called: Neoplastic Syndromes, Hereditary; Tumor predisposition; Hereditary Cancer Syndrome; Hereditary neoplastic syndrome. Identifiers: Orphanet 140162, MedGen C0027672, MeSH D009386, MONDO:0015356.

Allele frequency attached by ClinVar (database versions not stated): gnomAD exomes below 0.00001; TOPMed below 0.00001.
gnomAD v4.1: 3 of 1,614,034 alleles (0.00019%); highest among the groups gnomAD compares: East Asian, 0.0045%; no homozygotes.

Submissions (5):

Color Diagnostics, LLC DBA Color Health
Classification: Uncertain significance for Hereditary cancer-predisposing syndrome. Last evaluated: 2025-10-06. Review status: criteria provided, single submitter. Criteria: ACMG Guidelines, 2015. Collection method: clinical testing. Allele origin: germline.
Comment: This missense variant replaces isoleucine with valine at codon 509 of the BARD1 protein. Computational prediction suggests that this variant may not impact protein structure and function. To our knowledge, functional studies have not been reported for this variant. This variant has been identified in 3/1461706 chromosomes in the general population by the Genome Aggregation Database (gnomAD). The available evidence is insufficient to determine the role of this variant in disease conclusively. Therefore, this variant is classified as a Variant of Uncertain Significance.

Labcorp Genetics (formerly Invitae), Labcorp
Classification: Uncertain significance for Familial cancer of breast. Last evaluated: 2025-07-21. Review status: criteria provided, single submitter. Criteria: Invitae Variant Classification Sherloc (09022015). Collection method: clinical testing. Allele origin: germline.
Comment: This sequence change replaces isoleucine, which is neutral and non-polar, with valine, which is neutral and non-polar, at codon 509 of the BARD1 protein (p.Ile509Val). This variant is not present in population databases (gnomAD no frequency). This variant has not been reported in the literature in individuals affected with BARD1-related conditions. ClinVar contains an entry for this variant (Variation ID: 230452). An algorithm developed to predict the effect of missense changes on protein structure and function (PolyPhen-2) suggests that this variant is likely to be tolerated. In summary, the available evidence is currently insufficient to determine the role of this variant in disease. Therefore, it has been classified as a Variant of Uncertain Significance.

Ambry Genetics
Classification: Likely benign for Hereditary cancer-predisposing syndrome. Last evaluated: 2024-09-11. Review status: criteria provided, single submitter. Criteria: Ambry Variant Classification Scheme 2023. Collection method: clinical testing. Allele origin: germline.

Baylor Genetics
Classification: Uncertain significance for Familial cancer of breast. Last evaluated: 2024-02-14. Review status: criteria provided, single submitter. Criteria: ACMG Guidelines, 2015. Collection method: clinical testing. Allele origin: unknown.

Sema4
Classification: Uncertain significance for Hereditary cancer-predisposing syndrome. Last evaluated: 2022-03-18. Review status: criteria provided, single submitter. Criteria: Sema4 Curation Guidelines. Collection method: curation. Allele origin: germline.
Comment: The BARD1 c.1525A>G (p.I509V) variant has been reported in heterozygosity in at least 1 individual with ovarian high-grade serous carcinoma (PMID: 32019284). It was not observed in the large and broad cohorts of the Genome Aggregation Database (PMID: 32461654). This variant has been reported in ClinVar (Variation ID 230452). Functional studies have not been performed, and in silico predictions of the variant's effect on protein function are inconclusive. The evidence is insufficient to meet ACMG/AMP criteria for classifying the variant as benign or pathogenic. Thus, the clinical significance of this variant is currently uncertain.

Literature cited by the submitters: PubMed 32019284 (cited by Sema4).